The following is an entry in ClinVar:

NM_005430.4(WNT1):c.574C>T (p.Arg192Trp)

Gene: WNT1 (Wnt family member 1; plus strand). Cytogenetic location: 12q13.12.
Variant type: single nucleotide variant.
Coding change: c.574C>T on transcript NM_005430.4 (MANE Select); coding-DNA position 574, C replaced by T.
Protein change: p.Arg192Trp; replaces arginine 192 with tryptophan.
Molecular consequence: missense variant.
Genome position (GRCh38, 1-based): chr12:48,980,639, C>T. VCF-style: chr12-48980639-C-T. GRCh37 (hg19) VCF-style: chr12-49374422-C-T.
Other names: short protein forms R192W.
Identifiers: ClinVar variation 3615914 (VCV003615914.2).
Genomic context (GRCh38, chr12:48,980,639, plus strand): 5'-GACAACATTGACTTCGGCCGCCTCTTCGGCCGGGAGTTCGTGGACTCCGGGGAGAAGGGG[C>T]GGGACCTGCGCTTCCTCATGAACCTTCACAACAACGAGGCAGGCCGTACGGTGAGCTTTG-3'
Protein context (NP_005421.1, residues 182-202): REFVDSGEKG[Arg192Trp]DLRFLMNLHN

ClinVar aggregate classification (germline): Uncertain significance (1 of 4 stars; one submission).

gnomAD v4.1: 13 of 1,590,546 alleles (0.00082%); highest among the groups gnomAD compares: Non-Finnish European, 0.0011%; no homozygotes.

Submission:

Labcorp Genetics (formerly Invitae), Labcorp
Classification: Uncertain significance. Last evaluated: 2024-06-19. Review status: criteria provided, single submitter. Criteria: Invitae Variant Classification Sherloc (09022015). Collection method: clinical testing. Allele origin: germline.
Comment: This sequence change replaces arginine, which is basic and polar, with tryptophan, which is neutral and slightly polar, at codon 192 of the WNT1 protein (p.Arg192Trp). The frequency data for this variant in the population databases is considered unreliable, as metrics indicate poor data quality at this position in the gnomAD database. This variant has not been reported in the literature in individuals affected with WNT1-related conditions. Advanced modeling of protein sequence and biophysical properties (such as structural, functional, and spatial information, amino acid conservation, physicochemical variation, residue mobility, and thermodynamic stability) performed at Invitae indicates that this missense variant is expected to disrupt WNT1 protein function with a positive predictive value of 80%. In summary, the available evidence is currently insufficient to determine the role of this variant in disease. Therefore, it has been classified as a Variant of Uncertain Significance.